The following is an entry in ClinVar:

NM_000136.3(FANCC):c.587T>G (p.Val196Gly)

Genes: AOPEP (aminopeptidase O (putative); plus strand), FANCC (FA complementation group C; minus strand). Cytogenetic location: 9q22.32.
Variant type: single nucleotide variant.
Coding change: c.587T>G on transcript NM_000136.3 (MANE Select); coding-DNA position 587, T replaced by G.
Protein change: p.Val196Gly; replaces valine 196 with glycine.
Molecular consequence: missense variant.
Genome position (GRCh38, 1-based): chr9:95,150,022, A>C on the plus strand (T>G on the coding strand, the complement: FANCC is on the minus strand). VCF-style: chr9-95150022-A-C. GRCh37 (hg19) VCF-style: chr9-97912304-A-C.
Other names: c.587T>G, p.Val196Gly (NM_001243743.2, NM_001243744.2); short protein forms V196G.
Identifiers: ClinVar variation 2450937 (VCV002450937.3), dbSNP rs2541700067, ClinGen allele CA374109714.

ClinVar aggregate classification (germline): Uncertain significance (1 of 4 stars; one submission).

Conditions:
Hereditary cancer-predisposing syndrome. Also called: Neoplastic Syndromes, Hereditary; Tumor predisposition; Hereditary neoplastic syndrome; Hereditary Cancer Syndrome. Identifiers: Orphanet 140162, MedGen C0027672, MeSH D009386, MONDO:0015356.

Allele frequency attached by ClinVar (database versions not stated): gnomAD exomes below 0.00001.
gnomAD v4.1: 1 of 1,614,150 alleles (0.000062%); no homozygotes.

Submission:

Ambry Genetics
Classification: Uncertain significance for Hereditary cancer-predisposing syndrome. Last evaluated: 2025-06-09. Review status: criteria provided, single submitter. Criteria: Ambry Variant Classification Scheme 2023. Collection method: clinical testing. Allele origin: germline.
Comment: The p.V196G variant (also known as c.587T>G), located in coding exon 6 of the FANCC gene, results from a T to G substitution at nucleotide position 587. The valine at codon 196 is replaced by glycine, an amino acid with dissimilar properties. This amino acid position is conserved. In addition, this alteration is predicted to be tolerated by in silico analysis. Since supporting evidence is limited at this time, the clinical significance of this alteration remains unclear.